The following is an entry in ClinVar:

NM_003242.6(TGFBR2):c.1505G>T (p.Ser502Ile)

Gene: TGFBR2 (transforming growth factor beta receptor 2; plus strand). Cytogenetic location: 3p24.1.
Variant type: single nucleotide variant.
Coding change: c.1505G>T on transcript NM_003242.6 (MANE Select); coding-DNA position 1505, G replaced by T.
Protein change: p.Ser502Ile; replaces serine 502 with isoleucine.
Molecular consequence: missense variant.
Genome position (GRCh38, 1-based): chr3:30,688,492, G>T. VCF-style: chr3-30688492-G-T. GRCh37 (hg19) VCF-style: chr3-30729984-G-T.
Other names: c.1580G>T, p.Ser527Ile (NM_001024847.3); c.1688G>T, p.Ser563Ile (NM_001407126.1); c.1613G>T, p.Ser538Ile (NM_001407127.1); c.635G>T, p.Ser212Ile (NM_001407139.1); c.1532G>T, p.Ser511Ile (NM_001407128.1); c.1508G>T, p.Ser503Ile (NM_001407129.1); c.1502G>T, p.Ser501Ile (NM_001407130.1); c.1400G>T, p.Ser467Ile (NM_001407132.1, NM_001407133.1, NM_001407134.1 and 2 more transcripts); and 2 more; short protein forms S212I, S382I, S407I, S467I, S501I, S502I, S503I, S511I.
Identifiers: ClinVar variation 4531061 (VCV004531061.1).

ClinVar aggregate classification (germline): Uncertain significance (1 of 4 stars; one submission).

Submission:

GeneDx
Classification: Uncertain significance. Last evaluated: 2025-05-19. Review status: criteria provided, single submitter. Criteria: GeneDx Variant Classification Process June 2021. Collection method: clinical testing. Allele origin: germline. Affected: yes.
Comment: Not observed at significant frequency in large population cohorts (gnomAD); In silico analysis supports that this missense variant has a deleterious effect on protein structure/function; Has not been previously published as pathogenic or benign to our knowledge